The following is an entry in ClinVar:

ClinVar aggregate classification (germline): Benign/Likely benign. Review status: criteria provided, multiple submitters, no conflicts (2 of 4 stars). 2 submissions from 2 submitters: Benign (1); Likely benign (1). Last evaluated 2026-04-22.

Conditions:
Colorectal cancer, susceptibility to, 1. Also called: COLORECTAL ADENOMA AND CANCER, SUSCEPTIBILITY TO; COLORECTAL CANCER, SUSCEPTIBILITY TO, ON CHROMOSOME 9. Identifiers: MedGen C1837315, MONDO:0012132, OMIM 608812.

Allele frequency attached by ClinVar (database versions not stated): gnomAD 0.00001; TOPMed 0.00001.

Submissions (2):

Myriad Genetics, Inc.
Classification: Benign for Colorectal cancer, susceptibility to, 1. Last evaluated: 2026-04-22. Review status: criteria provided, single submitter. Criteria: Myriad Autosomal Dominant, Autosomal Recessive and X-Linked Classification Criteria (2023). Collection method: clinical testing. Allele origin: unknown.
Comment: This variant is considered benign. This variant is a silent/synonymous amino acid change and it is not expected to impact splicing.

Ambry Genetics
Classification: Likely benign. Last evaluated: 2021-02-16. Review status: criteria provided, single submitter. Criteria: Ambry Variant Classification Scheme 2023. Collection method: clinical testing. Allele origin: germline.

NM_024642.5(GALNT12):c.204G>T (p.Pro68=)

Gene: GALNT12 (polypeptide N-acetylgalactosaminyltransferase 12; plus strand). Cytogenetic location: 9q22.33.
Variant type: single nucleotide variant.
Coding change: c.204G>T on transcript NM_024642.5 (MANE Select); coding-DNA position 204, G replaced by T.
Protein change: p.Pro68=; no amino-acid change (proline 68 retained).
Molecular consequence: synonymous variant.
Genome position (GRCh38, 1-based): chr9:98,807,902, G>T. VCF-style: chr9-98807902-G-T. GRCh37 (hg19) VCF-style: chr9-101570184-G-T.
Identifiers: ClinVar variation 1785045 (VCV001785045.3), dbSNP rs1310885765, ClinGen allele CA466647443.